The following is an entry in ClinVar:

ClinVar aggregate classification (germline): Pathogenic (1 of 4 stars; one submission).

Submission:

Labcorp Genetics (formerly Invitae), Labcorp
Classification: Pathogenic. Last evaluated: 2025-09-30. Review status: criteria provided, single submitter. Criteria: Invitae Variant Classification Sherloc (09022015). Collection method: clinical testing. Allele origin: germline.
Comment: This sequence change creates a premature translational stop signal (p.Tyr388*) in the NBAS gene. It is expected to result in an absent or disrupted protein product. Loss-of-function variants in NBAS are known to be pathogenic (PMID: 26073778, 26541327, 27789416, 28031453). This variant is not present in population databases (gnomAD no frequency). This variant has not been reported in the literature in individuals affected with NBAS-related conditions. For these reasons, this variant has been classified as Pathogenic.

Literature cited by the submitters: PubMed 26073778; PubMed 26541327; PubMed 27789416; PubMed 28031453.

NM_015909.4(NBAS):c.1164C>G (p.Tyr388Ter)

Gene: NBAS (NBAS subunit of NRZ tethering complex; minus strand). Cytogenetic location: 2p24.3.
Variant type: single nucleotide variant.
Coding change: c.1164C>G on transcript NM_015909.4 (MANE Select); coding-DNA position 1164, C replaced by G.
Protein change: p.Tyr388Ter; replaces tyrosine 388 with a stop codon.
Molecular consequence: nonsense. On other transcripts: non-coding transcript variant (1).
Genome position (GRCh38, 1-based): chr2:15,475,864, G>C on the plus strand (C>G on the coding strand, the complement: NBAS is on the minus strand). VCF-style: chr2-15475864-G-C. GRCh37 (hg19) VCF-style: chr2-15615988-G-C.
Other names: short protein forms Y388*.
Identifiers: ClinVar variation 4728182 (VCV004728182.1).